The following is an entry in ClinVar:

ClinVar aggregate classification (germline): Likely benign (1 of 4 stars; one submission).

Allele frequency attached by ClinVar (database versions not stated): ESP Exome Variant Server 0.00031; gnomAD 0.00054; TOPMed 0.00056; ExAC 0.00062.
gnomAD v4.1: 1,758 of 1,555,026 alleles (0.11%); highest among the groups gnomAD compares: Non-Finnish European, 0.15%; 2 homozygotes.

Submission:

CeGaT Center for Human Genetics Tuebingen
Classification: Likely benign. Last evaluated: 2024-02-01. Review status: criteria provided, single submitter. Criteria: CeGaT Center For Human Genetics Tuebingen Variant Classification Criteria Version 2. Collection method: clinical testing. Allele origin: germline. Affected: yes. Observed: 1 variant allele.
Comment: SLC8A2: BP4, BP7

NM_015063.3(SLC8A2):c.1164C>T (p.Asp388=)

Gene: SLC8A2 (solute carrier family 8 member A2; minus strand). Cytogenetic location: 19q13.32.
Variant type: single nucleotide variant.
Coding change: c.1164C>T on transcript NM_015063.3 (MANE Select); coding-DNA position 1164, C replaced by T.
Protein change: p.Asp388=; no amino-acid change (aspartic acid 388 retained).
Molecular consequence: synonymous variant.
Genome position (GRCh38, 1-based): chr19:47,457,106, G>A on the plus strand (C>T on the coding strand, the complement: SLC8A2 is on the minus strand). VCF-style: chr19-47457106-G-A. GRCh37 (hg19) VCF-style: chr19-47960363-G-A.
Identifiers: ClinVar variation 3025864 (VCV003025864.22), dbSNP rs367689270, ClinGen allele CA9539959.
Genomic context (GRCh38, chr19:47,457,106, plus strand): 5'-GTTCTCCAGGCAGTGGTAGAGGCTAGGCTCGAAGAAGATGCGGCTGGCGCCGTCGTCTTC[G>A]TCCTCGCCCGCGCCCTCGGCCGGCGCCGCCCTGCGCGAGGCGTCCGCCGCGTGTCTGCGC-3'
Protein context (NP_055878.1, residues 378-398): RAAPAEGAGE[Asp388=]EDDGASRIFF